The following is an entry in ClinVar:

NM_000093.5(COL5A1):c.3199C>T (p.Pro1067Ser)

Gene: COL5A1 (collagen type V alpha 1 chain; plus strand). Cytogenetic location: 9q34.3.
Variant type: single nucleotide variant.
Coding change: c.3199C>T on transcript NM_000093.5 (MANE Select); coding-DNA position 3199, C replaced by T.
Protein change: p.Pro1067Ser; replaces proline 1067 with serine.
Molecular consequence: missense variant.
Genome position (GRCh38, 1-based): chr9:134,805,059, C>T. VCF-style: chr9-134805059-C-T. GRCh37 (hg19) VCF-style: chr9-137696905-C-T.
Other names: c.3199C>T, p.Pro1067Ser (NM_001278074.1); short protein forms P1067S.
Identifiers: ClinVar variation 3905863 (VCV003905863.10).

ClinVar aggregate classification (germline): Uncertain significance (1 of 4 stars; one submission).

Submission:

CeGaT Center for Human Genetics Tuebingen
Classification: Uncertain significance. Last evaluated: 2025-05-01. Review status: criteria provided, single submitter. Criteria: CeGaT Center For Human Genetics Tuebingen Variant Classification Criteria Version 2. Collection method: clinical testing. Allele origin: germline. Affected: yes. Observed: 1 variant allele.
Comment: COL5A1: PM2